The following is an entry in ClinVar:

ClinVar aggregate classification (germline): Uncertain significance (1 of 4 stars; one submission).

Conditions:
Retinitis pigmentosa 20 (RP20). Identifiers: Orphanet 791, MedGen C3151086, MONDO:0013425, OMIM 613794.
Leber congenital amaurosis 2 (LCA2). Also called: Autosomal Recessive RPE65-Related Retinal Degeneration; AMAUROSIS CONGENITA OF LEBER II. Identifiers: Orphanet 65, MedGen C1859844, MONDO:0008765, OMIM 204100. Disease mechanism: loss of function.

Submission:

Labcorp Genetics (formerly Invitae), Labcorp
Classification: Uncertain significance for Leber congenital amaurosis 2; Retinitis pigmentosa 20. Last evaluated: 2025-04-18. Review status: criteria provided, single submitter. Criteria: Invitae Variant Classification Sherloc (09022015). Collection method: clinical testing. Allele origin: germline.
Comment: This sequence change replaces alanine, which is neutral and non-polar, with threonine, which is neutral and polar, at codon 478 of the RPE65 protein (p.Ala478Thr). This variant is not present in population databases (gnomAD no frequency). This variant has not been reported in the literature in individuals affected with RPE65-related conditions. ClinVar contains an entry for this variant (Variation ID: 1381602). Invitae Evidence Modeling of protein sequence and biophysical properties (such as structural, functional, and spatial information, amino acid conservation, physicochemical variation, residue mobility, and thermodynamic stability) indicates that this missense variant is not expected to disrupt RPE65 protein function with a negative predictive value of 80%. In summary, the available evidence is currently insufficient to determine the role of this variant in disease. Therefore, it has been classified as a Variant of Uncertain Significance.

NM_000329.3(RPE65):c.1432G>A (p.Ala478Thr)

Gene: RPE65 (retinoid isomerohydrolase RPE65; minus strand). Cytogenetic location: 1p31.3.
Variant type: single nucleotide variant.
Coding change: c.1432G>A on transcript NM_000329.3 (MANE Select); coding-DNA position 1432, G replaced by A.
Protein change: p.Ala478Thr; replaces alanine 478 with threonine.
Molecular consequence: missense variant.
Genome position (GRCh38, 1-based): chr1:68,431,083, C>T on the plus strand (G>A on the coding strand, the complement: RPE65 is on the minus strand). VCF-style: chr1-68431083-C-T. GRCh37 (hg19) VCF-style: chr1-68896766-C-T.
Other names: short protein forms A478T.
Identifiers: ClinVar variation 1381602 (VCV001381602.7), dbSNP rs2100806829, ClinGen allele CA340741768.
Genomic context (GRCh38, chr1:68,431,083, plus strand): 5'-GCAGTAAGAAGAGTATTCAGACACAACAATTGCTTTCATTACCATCATCTTCTTCCAAGG[C>T]ATCTGGGTGAGAAACAAAGATGGGTTCTGATGGGTATGAATCAGGCTCTTGCCAAACCCA-3'
Protein context (NP_000320.1, residues 468-488): SEPIFVSHPD[Ala478Thr]LEEDDGVVLS